The following is an entry in ClinVar:

NM_001042492.3(NF1):c.3067A>T (p.Met1023Leu)

Gene: NF1 (neurofibromin 1; plus strand). Cytogenetic location: 17q11.2.
Variant type: single nucleotide variant.
Coding change: c.3067A>T on transcript NM_001042492.3 (MANE Select); coding-DNA position 3067, A replaced by T.
Protein change: p.Met1023Leu; replaces methionine 1023 with leucine.
Molecular consequence: missense variant.
Genome position (GRCh38, 1-based): chr17:31,230,336, A>T. VCF-style: chr17-31230336-A-T. GRCh37 (hg19) VCF-style: chr17-29557354-A-T.
Other names: c.3067A>T, p.Met1023Leu (NM_000267.4); short protein forms M1023L.
Identifiers: ClinVar variation 4119159 (VCV004119159.1).

ClinVar aggregate classification (germline): Uncertain significance (1 of 4 stars; one submission).

Conditions:
Cardiovascular phenotype. Identifiers: MedGen CN230736.
Hereditary cancer-predisposing syndrome. Also called: Hereditary neoplastic syndrome; Neoplastic Syndromes, Hereditary; Tumor predisposition; Hereditary Cancer Syndrome. Identifiers: Orphanet 140162, MedGen C0027672, MeSH D009386, MONDO:0015356.

Submission:

Ambry Genetics
Classification: Uncertain significance for Cardiovascular phenotype; Hereditary cancer-predisposing syndrome. Last evaluated: 2025-08-28. Review status: criteria provided, single submitter. Criteria: Ambry Variant Classification Scheme 2023. Collection method: clinical testing. Allele origin: germline.
Comment: The p.M1023L variant (also known as c.3067A>T), located in coding exon 23 of the NF1 gene, results from an A to T substitution at nucleotide position 3067. The methionine at codon 1023 is replaced by leucine, an amino acid with highly similar properties. This amino acid position is highly conserved in available vertebrate species. In addition, the in silico prediction for this alteration is inconclusive. Based on the available evidence, the clinical significance of this variant remains unclear.